The following is an entry in ClinVar:

NM_014159.7(SETD2):c.5627T>C (p.Leu1876Pro)

Gene: SETD2 (SET domain containing 2, histone lysine methyltransferase; minus strand). Cytogenetic location: 3p21.31.
Variant type: single nucleotide variant.
Coding change: c.5627T>C on transcript NM_014159.7 (MANE Select); coding-DNA position 5627, T replaced by C.
Protein change: p.Leu1876Pro; replaces leucine 1876 with proline.
Molecular consequence: missense variant. On other transcripts: non-coding transcript variant (1).
Genome position (GRCh38, 1-based): chr3:47,084,153, A>G on the plus strand (T>C on the coding strand, the complement: SETD2 is on the minus strand). VCF-style: chr3-47084153-A-G. GRCh37 (hg19) VCF-style: chr3-47125643-A-G.
Other names: c.5495T>C, p.Leu1832Pro (NM_001349370.3); short protein forms L1832P, L1876P.
Identifiers: ClinVar variation 1800922 (VCV001800922.1), dbSNP rs1218578909, ClinGen allele CA352535610.

ClinVar aggregate classification (germline): Uncertain significance (1 of 4 stars; one submission).

Allele frequency attached by ClinVar (database versions not stated): gnomAD exomes below 0.00001; TOPMed below 0.00001; gnomAD 0.00001.

Submission:

GeneDx
Classification: Uncertain significance. Last evaluated: 2022-05-26. Review status: criteria provided, single submitter. Criteria: GeneDx Variant Classification Process June 2021. Collection method: clinical testing. Allele origin: germline. Affected: yes.
Comment: Not observed at significant frequency in large population cohorts (gnomAD); In silico analysis supports that this missense variant does not alter protein structure/function; Has not been previously published as pathogenic or benign to our knowledge